The following is an entry in ClinVar:

ClinVar aggregate classification (germline): Uncertain significance. Review status: criteria provided, multiple submitters, no conflicts (2 of 4 stars). 2 submissions from 2 submitters: Uncertain significance (2). Last evaluated 2025-05-13.

Submissions (2):

GeneDx
Classification: Uncertain significance. Last evaluated: 2025-05-13. Review status: criteria provided, single submitter. Criteria: GeneDx Variant Classification Process June 2021. Collection method: clinical testing. Allele origin: germline. Affected: yes.
Comment: Not observed at significant frequency in large population cohorts (gnomAD); In silico analysis supports that this missense variant has a deleterious effect on protein structure/function; Has not been previously published as pathogenic or benign to our knowledge; Not located in the triple helical region, where the majority of pathogenic missense variants occur (HGMD)

Labcorp Genetics (formerly Invitae), Labcorp
Classification: Uncertain significance. Last evaluated: 2022-11-07. Review status: criteria provided, single submitter. Criteria: Invitae Variant Classification Sherloc (09022015). Collection method: clinical testing. Allele origin: germline.
Comment: This variant has not been reported in the literature in individuals affected with COL2A1-related conditions. In summary, the available evidence is currently insufficient to determine the role of this variant in disease. Therefore, it has been classified as a Variant of Uncertain Significance. Advanced modeling of protein sequence and biophysical properties (such as structural, functional, and spatial information, amino acid conservation, physicochemical variation, residue mobility, and thermodynamic stability) performed at Invitae indicates that this missense variant is expected to disrupt COL2A1 protein function. This variant is not present in population databases (gnomAD no frequency). This sequence change replaces glutamine, which is neutral and polar, with leucine, which is neutral and non-polar, at codon 1374 of the COL2A1 protein (p.Gln1374Leu).

NM_001844.5(COL2A1):c.4121A>T (p.Gln1374Leu)

Gene: COL2A1 (collagen type II alpha 1 chain; minus strand). Cytogenetic location: 12q13.11.
Variant type: single nucleotide variant.
Coding change: c.4121A>T on transcript NM_001844.5 (MANE Select); coding-DNA position 4121, A replaced by T.
Protein change: p.Gln1374Leu; replaces glutamine 1374 with leucine.
Molecular consequence: missense variant.
Genome position (GRCh38, 1-based): chr12:47,974,285, T>A on the plus strand (A>T on the coding strand, the complement: COL2A1 is on the minus strand). VCF-style: chr12-47974285-T-A. GRCh37 (hg19) VCF-style: chr12-48368068-T-A.
Other names: c.3914A>T, p.Gln1305Leu (NM_033150.3); c.4121A>T (NM_001844.4); short protein forms Q1374L, Q1305L.
Identifiers: ClinVar variation 2007689 (VCV002007689.5), dbSNP rs2540095269, ClinGen allele CA384533823.